The following is an entry in ClinVar:

NM_000350.3(ABCA4):c.5087G>C (p.Ser1696Thr)

Gene: ABCA4 (ATP binding cassette subfamily A member 4; minus strand). Cytogenetic location: 1p22.1.
Variant type: single nucleotide variant.
Coding change: c.5087G>C on transcript NM_000350.3 (MANE Select); coding-DNA position 5087, G replaced by C.
Protein change: p.Ser1696Thr; replaces serine 1696 with threonine.
Molecular consequence: missense variant.
Genome position (GRCh38, 1-based): chr1:94,019,691, C>G on the plus strand (G>C on the coding strand, the complement: ABCA4 is on the minus strand). VCF-style: chr1-94019691-C-G. GRCh37 (hg19) VCF-style: chr1-94485247-C-G.
Other names: c.4865G>C, p.Ser1622Thr (NM_001425324.1); short protein forms S1696T, S1622T.
Identifiers: ClinVar variation 2821867 (VCV002821867.3), dbSNP rs61750564, ClinGen allele CA341282741.

ClinVar aggregate classification (germline): Likely pathogenic (1 of 4 stars; one submission).

Submission:

Labcorp Genetics (formerly Invitae), Labcorp
Classification: Likely pathogenic. Last evaluated: 2022-12-18. Review status: criteria provided, single submitter. Criteria: Invitae Variant Classification Sherloc (09022015). Collection method: clinical testing. Allele origin: germline.
Comment: This sequence change replaces serine, which is neutral and polar, with threonine, which is neutral and polar, at codon 1696 of the ABCA4 protein (p.Ser1696Thr). This variant is not present in population databases (gnomAD no frequency). In summary, the currently available evidence indicates that the variant is pathogenic, but additional data are needed to prove that conclusively. Therefore, this variant has been classified as Likely Pathogenic. This variant disrupts the p.Ser1696 amino acid residue in ABCA4. Other variant(s) that disrupt this residue have been determined to be pathogenic (PMID: 18854780, 20128570, 24409374, 29854428). This suggests that this residue is clinically significant, and that variants that disrupt this residue are likely to be disease-causing. Advanced modeling of protein sequence and biophysical properties (such as structural, functional, and spatial information, amino acid conservation, physicochemical variation, residue mobility, and thermodynamic stability) performed at Invitae indicates that this missense variant is expected to disrupt ABCA4 protein function. This variant has not been reported in the literature in individuals affected with ABCA4-related conditions.

Literature cited by the submitters: PubMed 18854780; PubMed 20128570; PubMed 24409374; PubMed 29854428.